The following is an entry in ClinVar:

NM_024513.4(FYCO1):c.1098C>T (p.Ala366=)

Gene: FYCO1 (FYVE and coiled-coil domain autophagy adaptor 1; minus strand). Cytogenetic location: 3p21.31.
Variant type: single nucleotide variant.
Coding change: c.1098C>T on transcript NM_024513.4 (MANE Select); coding-DNA position 1098, C replaced by T.
Protein change: p.Ala366=; no amino-acid change (alanine 366 retained).
Molecular consequence: synonymous variant.
Genome position (GRCh38, 1-based): chr3:45,968,236, G>A on the plus strand (C>T on the coding strand, the complement: FYCO1 is on the minus strand). VCF-style: chr3-45968236-G-A. GRCh37 (hg19) VCF-style: chr3-46009728-G-A.
Identifiers: ClinVar variation 345530 (VCV000345530.7), dbSNP rs201904937, ClinGen allele CA2353312.

ClinVar aggregate classification (germline): Uncertain significance. Review status: criteria provided, single submitter (1 of 4 stars). 2 submissions from 2 submitters: Uncertain significance (1). 1 of the submissions does not count toward it. Last evaluated 2018-01-13.

Conditions:
Cataract 18 (CATC2). Also called: CATARACT 18, AUTOSOMAL RECESSIVE. Identifiers: Orphanet 91492, Orphanet 98991, Orphanet 98992, Orphanet 98995, MedGen C1864908, MONDO:0012395, OMIM 610019.
FYCO1-related disorder. Also called: FYCO1-related condition.

Allele frequency attached by ClinVar (database versions not stated): ExAC 0.00001; gnomAD 0.00001 and 0.00006; gnomAD exomes 0.00002 and 0.00008; TOPMed 0.00002; 1000 Genomes Project 30x 0.00016; 1000 Genomes Project 0.00020.
gnomAD v4.1: 126 of 1,614,052 alleles (0.0078%); highest among the groups gnomAD compares: East Asian, 0.26%; no homozygotes.

Submissions (2):

Illumina Laboratory Services, Illumina
Classification: Uncertain significance for Cataract 18. Last evaluated: 2018-01-13. Review status: criteria provided, single submitter. Criteria: ICSL Variant Classification Criteria 13 December 2019. Collection method: clinical testing. Allele origin: germline.

PreventionGenetics, part of Exact Sciences
Classification: Likely benign for FYCO1-related condition. Last evaluated: 2019-05-24. Review status: no assertion criteria provided. Collection method: clinical testing. Allele origin: germline. Not counted in ClinVar's aggregate classification.
Comment: This variant is classified as likely benign based on ACMG/AMP sequence variant interpretation guidelines (Richards et al. 2015 PMID: 25741868, with internal and published modifications).